The following is an entry in ClinVar:

ClinVar aggregate classification (germline): Pathogenic (1 of 4 stars; one submission).

Conditions:
Early-infantile DEE. Also called: Ohtahara syndrome; Early infantile epileptic encephalopathy with suppression bursts; Early infantile epileptic encephalopathy. Identifiers: Orphanet 1934, MedGen C0393706, MONDO:0800491.

Submission:

Labcorp Genetics (formerly Invitae), Labcorp
Classification: Pathogenic for Early-infantile DEE. Last evaluated: 2022-08-31. Review status: criteria provided, single submitter. Criteria: Invitae Variant Classification Sherloc (09022015). Collection method: clinical testing. Allele origin: germline.
Comment: ClinVar contains an entry for this variant (Variation ID: 853604). This sequence change creates a premature translational stop signal (p.Cys1552*) in the SCN1A gene. It is expected to result in an absent or disrupted protein product. Loss-of-function variants in SCN1A are known to be pathogenic (PMID: 17347258, 18930999). This variant is not present in population databases (gnomAD no frequency). This variant has not been reported in the literature in individuals affected with SCN1A-related conditions. For these reasons, this variant has been classified as Pathogenic.

Literature cited by the submitters: PubMed 17347258; PubMed 18930999.

NM_001165963.4(SCN1A):c.4656T>A (p.Cys1552Ter)

Genes: SCN1A (sodium voltage-gated channel alpha subunit 1; minus strand), LOC102724058 (uncharacterized LOC102724058; plus strand). Cytogenetic location: 2q24.3.
Variant type: single nucleotide variant.
Coding change: c.4656T>A on transcript NM_001165963.4 (MANE Select); coding-DNA position 4656, T replaced by A.
Protein change: p.Cys1552Ter; replaces cysteine 1552 with a stop codon.
Molecular consequence: nonsense. On other transcripts: non-coding transcript variant (1).
Genome position (GRCh38, 1-based): chr2:165,994,342, A>T on the plus strand (T>A on the coding strand, the complement: SCN1A is on the minus strand). VCF-style: chr2-165994342-A-T. GRCh37 (hg19) VCF-style: chr2-166850852-A-T.
Other names: c.4572T>A, p.Cys1524Ter (NM_001165964.3, NM_001353957.2, NM_001353958.2); c.4656T>A, p.Cys1552Ter (NM_001202435.3, NM_001353948.2); c.4623T>A, p.Cys1541Ter (NM_001353949.2, NM_001353950.2, NM_001353951.2 and 2 more transcripts); c.4620T>A, p.Cys1540Ter (NM_001353954.2, NM_001353955.2); c.4569T>A, p.Cys1523Ter (NM_001353960.2); c.2214T>A, p.Cys738Ter (NM_001353961.2); short protein forms C1524*, C1523*, C1540*, C1541*, C1552*, C738*.
Identifiers: ClinVar variation 853604 (VCV000853604.8), dbSNP rs1553521051, ClinGen allele CA349072214.